The following is an entry in ClinVar:

ClinVar aggregate classification (germline): Likely benign. Review status: criteria provided, single submitter (1 of 4 stars). 2 submissions from 2 submitters: Likely benign (1). 1 of the submissions does not count toward it. Last evaluated 2023-04-15.

Conditions:
TRIM8-related disorder. Also called: TRIM8-related condition.

Allele frequency attached by ClinVar (database versions not stated): TOPMed below 0.00001; ExAC 0.00002.
gnomAD v4.1: 11 of 1,613,714 alleles (0.00068%); highest among the groups gnomAD compares: East Asian, 0.0089%; no homozygotes.

Submissions (2):

Labcorp Genetics (formerly Invitae), Labcorp
Classification: Likely benign. Last evaluated: 2023-04-15. Review status: criteria provided, single submitter. Criteria: Invitae Variant Classification Sherloc (09022015). Collection method: clinical testing. Allele origin: germline.

PreventionGenetics, part of Exact Sciences
Classification: Likely benign for TRIM8-related condition. Last evaluated: 2024-01-12. Review status: no assertion criteria provided. Collection method: clinical testing. Allele origin: germline. Not counted in ClinVar's aggregate classification.
Comment: This variant is classified as likely benign based on ACMG/AMP sequence variant interpretation guidelines (Richards et al. 2015 PMID: 25741868, with internal and published modifications).

NM_030912.3(TRIM8):c.1497G>C (p.Ser499=)

Gene: TRIM8 (tripartite motif containing 8; plus strand). Cytogenetic location: 10q24.32.
Variant type: single nucleotide variant.
Coding change: c.1497G>C on transcript NM_030912.3 (MANE Select); coding-DNA position 1497, G replaced by C.
Protein change: p.Ser499=; no amino-acid change (serine 499 retained).
Molecular consequence: synonymous variant. On other transcripts: non-coding transcript variant (1).
Genome position (GRCh38, 1-based): chr10:102,657,195, G>C. VCF-style: chr10-102657195-G-C. GRCh37 (hg19) VCF-style: chr10-104416952-G-C.
Other names: c.1401G>C, p.Ser467= (NM_001345950.1); c.1497G>C (NM_030912.2).
Identifiers: ClinVar variation 2060182 (VCV002060182.6), dbSNP rs777852686, ClinGen allele CA5668329.
Genomic context (GRCh38, chr10:102,657,195, plus strand): 5'-CAACCATGGCGGCCACCAGCCCTACCCCCGCTCCGGCCACTTTCCCTGGACAGTGCCCTC[G>C]CAGGAGTACTCACACCCGCTCCCGCCCACACCCTCCGTCCCCCAGTCCCTTCCCAGCCTG-3'
Protein context (NP_112174.2, residues 489-509): RSGHFPWTVP[Ser499=]QEYSHPLPPT